The following is an entry in ClinVar:

NM_020778.5(ALPK3):c.5110A>T (p.Met1704Leu)

Gene: ALPK3 (alpha kinase 3; plus strand). Cytogenetic location: 15q25.3.
Variant type: single nucleotide variant.
Coding change: c.5110A>T on transcript NM_020778.5 (MANE Select); coding-DNA position 5110, A replaced by T.
Protein change: p.Met1704Leu; replaces methionine 1704 with leucine.
Molecular consequence: missense variant.
Genome position (GRCh38, 1-based): chr15:84,868,448, A>T. VCF-style: chr15-84868448-A-T. GRCh37 (hg19) VCF-style: chr15-85411679-A-T.
Other names: short protein forms M1704L.
Identifiers: ClinVar variation 3291616 (VCV003291616.1).
Genomic context (GRCh38, chr15:84,868,448, plus strand): 5'-GTCACCACTCAGTTGTTGGGACAGCCTCCCACCCAAGAGGAGGGCTCCAAGGCCCAGGGC[A>T]TGCGGTAGCCTCCGCAGAGGCTGGGGGCCTCCACCCAGCAGCAGACCAACCAGGAAGCAG-3'
Protein context (NP_065829.4, residues 1694-1705): TQEEGSKAQG[Met1704Leu]R

ClinVar aggregate classification (germline): Uncertain significance (1 of 4 stars; one submission).

Conditions:
Cardiovascular phenotype. Identifiers: MedGen CN230736.

Submission:

Ambry Genetics
Classification: Uncertain significance for Cardiovascular phenotype. Last evaluated: 2024-05-06. Review status: criteria provided, single submitter. Criteria: Ambry Variant Classification Scheme 2023. Collection method: clinical testing. Allele origin: germline.
Comment: The p.M1906L variant (also known as c.5716A>T), located in coding exon 14 of the ALPK3 gene, results from an A to T substitution at nucleotide position 5716. The methionine at codon 1906 is replaced by leucine, an amino acid with highly similar properties. This amino acid position is conserved. In addition, this alteration is predicted to be tolerated by in silico analysis. Based on the available evidence, the clinical significance of this variant remains unclear.